The following is an entry in ClinVar:

ClinVar aggregate classification (germline): Uncertain significance (1 of 4 stars; one submission).

Conditions:
Cardiovascular phenotype. Identifiers: MedGen CN230736.

Allele frequency attached by ClinVar (database versions not stated): gnomAD 0.00001; gnomAD exomes 0.00002; ExAC 0.00003; 1000 Genomes Project 30x 0.00016; 1000 Genomes Project 0.00020.
gnomAD v4.1: 24 of 1,604,860 alleles (0.0015%); highest among the groups gnomAD compares: East Asian, 0.013%; no homozygotes.

Submission:

Ambry Genetics
Classification: Uncertain significance for Cardiovascular phenotype. Last evaluated: 2016-11-30. Review status: criteria provided, single submitter. Criteria: Ambry Variant Classification Scheme 2023. Collection method: clinical testing. Allele origin: germline.
Comment: The p.D12975N variant (also known as c.38923G>A), located in coding exon 141 of the TTN gene, results from a G to A substitution at nucleotide position 38923. The aspartic acid at codon 12975 is replaced by asparagine, an amino acid with highly similar properties, and is located in the A-band region of the N2-B isoform of the titin protein. This amino acid position is well conserved in available vertebrate species. In addition, this alteration is predicted to be tolerated by in silico analysis. Since supporting evidence is limited at this time, the clinical significance of this alteration remains unclear.

NM_001267550.2(TTN):c.66118G>A (p.Asp22040Asn)

Genes: TTN (titin; minus strand), TTN-AS1 (TTN antisense RNA 1; plus strand). Cytogenetic location: 2q31.2.
Variant type: single nucleotide variant.
Coding change: c.66118G>A on transcript NM_001267550.2 (MANE Select); coding-DNA position 66118, G replaced by A.
Protein change: p.Asp22040Asn; replaces aspartic acid 22040 with asparagine.
Molecular consequence: missense variant.
Genome position (GRCh38, 1-based): chr2:178,582,338, C>T on the plus strand (G>A on the coding strand, the complement: TTN is on the minus strand). VCF-style: chr2-178582338-C-T. GRCh37 (hg19) VCF-style: chr2-179447065-C-T.
Other names: c.61195G>A, p.Asp20399Asn (NM_001256850.1); c.38923G>A, p.Asp12975Asn (NM_003319.4); c.58414G>A, p.Asp19472Asn (NM_133378.4); c.39298G>A, p.Asp13100Asn (NM_133432.3); c.39499G>A, p.Asp13167Asn (NM_133437.4); short protein forms D12975N, D22040N, D13100N, D19472N, D20399N, D13167N.
Identifiers: ClinVar variation 518962 (VCV000518962.5), dbSNP rs560375322, ClinGen allele CA1991574.